The following is an entry in ClinVar:

NM_016222.4(DDX41):c.425T>C (p.Ile142Thr)

Gene: DDX41 (DEAD-box helicase 41; minus strand). Cytogenetic location: 5q35.3.
Variant type: single nucleotide variant.
Coding change: c.425T>C on transcript NM_016222.4 (MANE Select); coding-DNA position 425, T replaced by C.
Protein change: p.Ile142Thr; replaces isoleucine 142 with threonine.
Molecular consequence: missense variant.
Genome position (GRCh38, 1-based): chr5:177,515,938, A>G on the plus strand (T>C on the coding strand, the complement: DDX41 is on the minus strand). VCF-style: chr5-177515938-A-G. GRCh37 (hg19) VCF-style: chr5-176942939-A-G.
Other names: c.47T>C, p.Ile16Thr (NM_001321732.2, NM_001321830.2); short protein forms I142T, I16T.
Identifiers: ClinVar variation 4238777 (VCV004238777.1).

ClinVar aggregate classification (germline): Uncertain significance (1 of 4 stars; one submission).

Conditions:
Inborn genetic diseases. Identifiers: MedGen C0950123, MeSH D030342.

gnomAD v4.1: 1 of 1,614,044 alleles (0.000062%); no homozygotes.

Submission:

Ambry Genetics
Classification: Uncertain significance for Inborn genetic diseases. Last evaluated: 2025-08-13. Review status: criteria provided, single submitter. Criteria: Ambry Variant Classification Scheme 2023. Collection method: clinical testing. Allele origin: germline.
Comment: The p.I142T variant (also known as c.425T>C), located in coding exon 5 of the DDX41 gene, results from a T to C substitution at nucleotide position 425. The isoleucine at codon 142 is replaced by threonine, an amino acid with similar properties. This amino acid position is highly conserved in available vertebrate species. In addition, the in silico prediction for this alteration is inconclusive. Based on the available evidence, the clinical significance of this variant remains unclear.